The following is an entry in ClinVar:

NM_005235.3(ERBB4):c.644A>C (p.Glu215Ala)

Gene: ERBB4 (erb-b2 receptor tyrosine kinase 4; minus strand). Cytogenetic location: 2q34.
Variant type: single nucleotide variant.
Coding change: c.644A>C on transcript NM_005235.3 (MANE Select); coding-DNA position 644, A replaced by C.
Protein change: p.Glu215Ala; replaces glutamic acid 215 with alanine.
Molecular consequence: missense variant.
Genome position (GRCh38, 1-based): chr2:211,725,173, T>G on the plus strand (A>C on the coding strand, the complement: ERBB4 is on the minus strand). VCF-style: chr2-211725173-T-G. GRCh37 (hg19) VCF-style: chr2-212589898-T-G.
Other names: c.644A>C, p.Glu215Ala (NM_001042599.2); short protein forms E215A.
Identifiers: ClinVar variation 1546790 (VCV001546790.10), dbSNP rs148992844, ClinGen allele CA2088365.

ClinVar aggregate classification (germline): Likely benign. Review status: criteria provided, single submitter (1 of 4 stars). 2 submissions from 2 submitters: Likely benign (1). 1 of the submissions does not count toward it. Last evaluated 2026-01-19.

Conditions:
ERBB4-related disorder. Also called: ERBB4-related condition.

Allele frequency attached by ClinVar (database versions not stated): gnomAD exomes 0.00004 and 0.00017; ExAC 0.00018; ESP Exome Variant Server 0.00023; TOPMed 0.00042; gnomAD 0.00044; 1000 Genomes Project 0.00220; 1000 Genomes Project 30x 0.00234.
gnomAD v4.1: 134 of 1,613,926 alleles (0.0083%); highest among the groups gnomAD compares: African/African-American, 0.14%; 1 homozygote.

Submissions (2):

Labcorp Genetics (formerly Invitae), Labcorp
Classification: Likely benign. Last evaluated: 2026-01-19. Review status: criteria provided, single submitter. Criteria: Invitae Variant Classification Sherloc (09022015). Collection method: clinical testing. Allele origin: germline.

PreventionGenetics, part of Exact Sciences
Classification: Likely benign for ERBB4-related condition. Last evaluated: 2022-10-18. Review status: no assertion criteria provided. Collection method: clinical testing. Allele origin: germline. Not counted in ClinVar's aggregate classification.
Comment: This variant is classified as likely benign based on ACMG/AMP sequence variant interpretation guidelines (Richards et al. 2015 PMID: 25741868, with internal and published modifications).